The following is an entry in ClinVar:

NM_000135.4(FANCA):c.3659C>G (p.Pro1220Arg)

Gene: FANCA (FA complementation group A; minus strand). Cytogenetic location: 16q24.3.
Variant type: single nucleotide variant.
Coding change: c.3659C>G on transcript NM_000135.4 (MANE Select); coding-DNA position 3659, C replaced by G.
Protein change: p.Pro1220Arg; replaces proline 1220 with arginine.
Molecular consequence: missense variant.
Genome position (GRCh38, 1-based): chr16:89,742,906, G>C on the plus strand (C>G on the coding strand, the complement: FANCA is on the minus strand). VCF-style: chr16-89742906-G-C. GRCh37 (hg19) VCF-style: chr16-89809314-G-C.
Other names: c.3659C>G, p.Pro1220Arg (NM_001286167.3); short protein forms P1220R.
Identifiers: ClinVar variation 1015411 (VCV001015411.3), dbSNP rs2062171639, ClinGen allele CA397485493.

ClinVar aggregate classification (germline): Uncertain significance (1 of 4 stars; one submission).

Conditions:
Fanconi anemia (FA). Also called: Fanconi's anemia. Identifiers: Orphanet 84, MedGen C0015625, MeSH D005199, MONDO:0019391.

gnomAD v4.1: 6 of 1,614,126 alleles (0.00037%); highest among the groups gnomAD compares: East Asian, 0.0022%; no homozygotes.

Submission:

Labcorp Genetics (formerly Invitae), Labcorp
Classification: Uncertain significance for Fanconi anemia. Last evaluated: 2025-03-07. Review status: criteria provided, single submitter. Criteria: Invitae Variant Classification Sherloc (09022015). Collection method: clinical testing. Allele origin: germline.
Comment: This sequence change replaces proline, which is neutral and non-polar, with arginine, which is basic and polar, at codon 1220 of the FANCA protein (p.Pro1220Arg). This variant is not present in population databases (gnomAD no frequency). This variant has not been reported in the literature in individuals affected with FANCA-related conditions. ClinVar contains an entry for this variant (Variation ID: 1015411). Invitae Evidence Modeling of protein sequence and biophysical properties (such as structural, functional, and spatial information, amino acid conservation, physicochemical variation, residue mobility, and thermodynamic stability) has been performed for this missense variant. However, the output from this modeling did not meet the statistical confidence thresholds required to predict the impact of this variant on FANCA protein function. In summary, the available evidence is currently insufficient to determine the role of this variant in disease. Therefore, it has been classified as a Variant of Uncertain Significance.